The following is an entry in ClinVar:

ClinVar aggregate classification (germline): Likely benign. Review status: criteria provided, multiple submitters, no conflicts (2 of 4 stars). 2 submissions from 2 submitters: Likely benign (2). Last evaluated 2024-12-01.

Allele frequency attached by ClinVar (database versions not stated): gnomAD exomes below 0.00001; ExAC 0.00001.
gnomAD v4.1: 4 of 1,614,226 alleles (0.00025%); highest among the groups gnomAD compares: Non-Finnish European, 0.00034%; no homozygotes.

Submissions (2):

CeGaT Center for Human Genetics Tuebingen
Classification: Likely benign. Last evaluated: 2024-12-01. Review status: criteria provided, single submitter. Criteria: CeGaT Center For Human Genetics Tuebingen Variant Classification Criteria Version 2. Collection method: clinical testing. Allele origin: germline. Affected: yes. Observed: 1 variant allele.
Comment: ERCC3: BP4, BP7

Labcorp Genetics (formerly Invitae), Labcorp
Classification: Likely benign. Last evaluated: 2023-10-24. Review status: criteria provided, single submitter. Criteria: Invitae Variant Classification Sherloc (09022015). Collection method: clinical testing. Allele origin: germline.

NM_000122.2(ERCC3):c.177G>A (p.Lys59=)

Gene: ERCC3 (ERCC excision repair 3, TFIIH core complex helicase subunit; minus strand). Cytogenetic location: 2q14.3.
Variant type: single nucleotide variant.
Coding change: c.177G>A on transcript NM_000122.2 (MANE Select); coding-DNA position 177, G replaced by A.
Protein change: p.Lys59=; no amino-acid change (lysine 59 retained).
Molecular consequence: synonymous variant. On other transcripts: 5 prime UTR variant (2).
Genome position (GRCh38, 1-based): chr2:127,293,570, C>T on the plus strand (G>A on the coding strand, the complement: ERCC3 is on the minus strand). VCF-style: chr2-127293570-C-T. GRCh37 (hg19) VCF-style: chr2-128051146-C-T.
Other names: c.-16G>A (NM_001303416.2, NM_001303418.2).
Identifiers: ClinVar variation 2800937 (VCV002800937.16), dbSNP rs779898806, ClinGen allele CA1858607.